The following is an entry in ClinVar:

NM_032119.4(ADGRV1):c.7034A>G (p.Asn2345Ser)

Gene: ADGRV1 (adhesion G protein-coupled receptor V1; plus strand). Cytogenetic location: 5q14.3.
Variant type: single nucleotide variant.
Coding change: c.7034A>G on transcript NM_032119.4 (MANE Select); coding-DNA position 7034, A replaced by G.
Protein change: p.Asn2345Ser; replaces asparagine 2345 with serine.
Molecular consequence: missense variant. On other transcripts: non-coding transcript variant (1).
Genome position (GRCh38, 1-based): chr5:90,692,687, A>G. VCF-style: chr5-90692687-A-G. GRCh37 (hg19) VCF-style: chr5-89988504-A-G.
Other names: short protein forms N2345S.
Identifiers: ClinVar variation 46360 (VCV000046360.26), dbSNP rs2366926, ClinGen allele CA138190.

ClinVar aggregate classification (germline): Benign. Review status: criteria provided, multiple submitters, no conflicts (2 of 4 stars). 8 submissions from 8 submitters: Benign (7). 1 of the submissions does not count toward it. Last evaluated 2026-02-04.

Conditions:
Usher syndrome type 2C. Also called: Usher syndrome, type 2B; USHER SYNDROME, TYPE IIC. Identifiers: Orphanet 231178, Orphanet 886, MedGen C2931213, MONDO:0011558, OMIM 605472.
Febrile seizures, familial, 4 (FEB4). Also called: CONVULSIONS, FAMILIAL FEBRILE, 4. Identifiers: MedGen C1858493, MONDO:0011443, OMIM 604352.

Allele frequency attached by ClinVar (database versions not stated): ESP Exome Variant Server 0.29139; gnomAD 0.31179 and 0.31467; 1000 Genomes Project 30x 0.32011; 1000 Genomes Project 0.32228; TOPMed 0.32717; gnomAD exomes 0.35814; ExAC 0.37290.
gnomAD v4.1: 550,568 of 1,608,380 alleles (34%); highest among the groups gnomAD compares: Admixed American, 54%; 97,275 homozygotes.

Submissions (9):

Labcorp Genetics (formerly Invitae), Labcorp
Classification: Benign. Last evaluated: 2026-02-04. Review status: criteria provided, single submitter. Criteria: Invitae Variant Classification Sherloc (09022015). Collection method: clinical testing. Allele origin: germline.

Fulgent Genetics
Classification: Benign for Febrile seizures, familial, 4; Usher syndrome type 2C. Last evaluated: 2021-08-11. Review status: criteria provided, single submitter. Criteria: ACMG Guidelines, 2015. Collection method: clinical testing. Allele origin: unknown.

Mayo Clinic Laboratories, Mayo Clinic
Classification: Benign. Last evaluated: 2020-10-02. Review status: criteria provided, single submitter. Criteria: ACMG Guidelines, 2015. Collection method: clinical testing. Allele origin: germline. Observed: 98 variant alleles.

Illumina Laboratory Services, Illumina
Classification: Benign for Usher syndrome type 2C. Last evaluated: 2018-01-13. Review status: criteria provided, single submitter. Criteria: ICSL Variant Classification Criteria 13 December 2019. Collection method: clinical testing. Allele origin: germline.
Comment: This variant was observed in the ICSL laboratory as part of a predisposition screen in an ostensibly healthy population. It had not been previously curated by ICSL or reported in the Human Gene Mutation Database (HGMD: prior to June 1st, 2018), and was therefore a candidate for classification through an automated scoring system. Utilizing variant allele frequency, disease prevalence and penetrance estimates, and inheritance mode, an automated score was calculated to assess if this variant is too frequent to cause the disease. Based on the score and internal cut-off values, a variant classified as benign is not then subjected to further curation. The score for this variant resulted in a classification of benign for this disease.

GeneDx
Classification: Benign. Last evaluated: 2015-03-03. Review status: criteria provided, single submitter. Criteria: GeneDx Variant Classification Process June 2021. Collection method: clinical testing. Allele origin: germline. Affected: yes.

Laboratory for Molecular Medicine, Mass General Brigham Personalized Medicine
Classification: Benign. Last evaluated: 2007-03-16. Review status: criteria provided, single submitter. Criteria: LMM Criteria. Collection method: clinical testing. Allele origin: germline. Observed: 1,236 variant alleles.

PreventionGenetics, part of Exact Sciences
Classification: Benign. Review status: criteria provided, single submitter. Criteria: ACMG Guidelines, 2015. Collection method: clinical testing. Allele origin: germline.

Dr. Peter K. Rogan Lab, Western University
No classification provided (evidence only). Condition: Germ cell tumor of testis. Review status: no classification provided. Collection method: in vitro. Allele origin: not applicable. Functional consequence: retained intron. Not counted in ClinVar's aggregate classification.

Genetic Services Laboratory, University of Chicago
Classification: Likely benign. Review status: no assertion criteria provided. Collection method: clinical testing. Allele origin: germline. Inheritance: Autosomal dominant inheritance. Not counted in ClinVar's aggregate classification.
Comment: Likely benign based on allele frequency in 1000 Genomes Project or ESP global frequency and its presence in a patient with a rare or unrelated disease phenotype. NOT Sanger confirmed